The following is an entry in ClinVar:

NM_002709.3(PPP1CB):c.548A>T (p.Glu183Val)

Gene: PPP1CB (protein phosphatase 1 catalytic subunit beta; plus strand). Cytogenetic location: 2p23.2.
Variant type: single nucleotide variant.
Coding change: c.548A>T on transcript NM_002709.3 (MANE Select); coding-DNA position 548, A replaced by T.
Protein change: p.Glu183Val; replaces glutamic acid 183 with valine.
Molecular consequence: missense variant.
Genome position (GRCh38, 1-based): chr2:28,783,934, A>T. VCF-style: chr2-28783934-A-T. GRCh37 (hg19) VCF-style: chr2-29006800-A-T.
Other names: NM_002709.3(PPP1CB):c.548A>T; p.Glu183Val; c.548A>T, p.Glu183Val (NM_206876.2); short protein forms E183V.
Identifiers: ClinVar variation 254651 (VCV000254651.3), dbSNP rs886037954, ClinGen allele CA10586684.
Genomic context (GRCh38, chr2:28,783,934, plus strand): 5'-TGTTAGTACTATGTCTCATCTTTTTATTTATAGGATTGTCACCAGACCTGCAATCTATGG[A>T]GCAGATTCGGAGAATTATGAGACCTACTGATGTCCCTGATACAGGTAAGTGTAGAGAGAA-3'
Protein context (NP_002700.1, residues 173-193): GGLSPDLQSM[Glu183Val]QIRRIMRPTD

ClinVar aggregate classification (germline): Pathogenic. Review status: reviewed by expert panel (3 of 4 stars). 4 submissions from 4 submitters: Pathogenic (1). 3 of the submissions do not count toward it. Last evaluated 2024-12-03.

Conditions:
RASopathy. Also called: rasopathies; Noonan spectrum disorder. Identifiers: Orphanet 536391, MedGen C5555857, MONDO:0021060.
Noonan syndrome-like disorder with loose anagen hair 2 (NSLH2). Identifiers: MedGen C4479577, MONDO:0054588, OMIM 617506.
Cardiovascular phenotype. Identifiers: MedGen CN230736.

Submissions (4):

ClinGen RASopathy Variant Curation Expert Panel
Classification: Pathogenic for RASopathy. Last evaluated: 2024-12-03. Review status: reviewed by expert panel. Criteria: ClinGen RASopathy ACMG Specifications PPP1CB V1.3.0. Collection method: curation. Allele origin: germline. Inheritance: Autosomal dominant inheritance.
Comment: The c.548A>T (p.Glu183Val) variant in PPP1CB is a missense variant predicted to cause substitution of glutamate by valine at amino acid 183. This variant is absent from gnomAD v2 (PM2_Supporting). PPP1CB, in which the variant was identified, is defined by the ClinGen RASopathy VCEP as a gene that has a low rate of benign missense variation and where pathogenic missense variants are a common mechanism of disease. The missense Z-score is 4.33 which is above the threshold set by the Rasopathy VCEP (PP2). This variant was observed in a proband with a phenotype consistent with RASopathy (PS4_Supporting; PMID:27681385). This variant has also been identified as a de novo occurrence with confirmed parental relationships in 1 individual with features of RASopathy (PS2; PMID:27681385). The variant occurs at the same amino acid residue as the PPP1CB c.548A>C (p.Glu183Ala) variant, which has been classified as pathogenic by the ClinGen RASOpathy VCEP (PM5). Based on ACMG/AMP criteria, this variant has enough supporting evidence to be classified as likely pathogenic; however, the RASopathy VCEP has upgraded this classification to pathogenic based on ClinGen policy due to the strength of evidence for the PM5 code. In summary, this variant currently meets the criteria to be classified as pathogenic for autosomal dominant RASopathy based on the ACMG/AMP criteria applied, as specified by the ClinGen RASopathy VCEP: PS2, PM5, PP2, PS4_Supporting, PM2_Supporting. (RASopathy VCEP specifications version 1.3; 12/3/2024)

Ambry Genetics
Classification: Pathogenic for Cardiovascular phenotype. Last evaluated: 2025-05-07. Review status: criteria provided, single submitter. Criteria: Ambry Variant Classification Scheme 2023. Collection method: clinical testing. Allele origin: germline. Not counted in ClinVar's aggregate classification.
Comment: The c.548A>T (p.E183V) alteration is located in exon 6 (coding exon 5) of the PPP1CB gene. This alteration results from a A to T substitution at nucleotide position 548, causing the glutamic acid (E) at amino acid position 183 to be replaced by a valine (V). This variant was not reported in population-based cohorts in the Genome Aggregation Database (gnomAD). This variant was reported to be de novo in an individual with features consistent with PPP1CB-related Noonan syndrome-like with loose anagen hair (Ma, 2016). Another variant at the same codon, c.548A>C (p.E183A), has been identified in individuals with features consistent with PPP1CB-related Noonan syndrome-like with loose anagen hair (Lin, 2018; Ambry internal data). This amino acid position is highly conserved in available vertebrate species. This missense alteration is located in a region that has a low rate of benign missense variation (Lek, 2016; Firth, 2009). The in silico prediction for this alteration is inconclusive. Based on the available evidence, this alteration is classified as pathogenic.

GeneDx
Classification: Pathogenic. Last evaluated: 2016-09-08. Review status: criteria provided, single submitter. Criteria: GeneDx Variant Classification (06012015). Collection method: clinical testing. Allele origin: germline. Affected: yes. Not counted in ClinVar's aggregate classification.
Comment: The E183V variant in the PPP1CB gene has been observed in internal GeneDx whole exome sequencing data in association with developmental delay, congenital heart defect, dysmorphic features, and short stature. The E183V variant was not observed in approximately 6,500 individuals of European and African American ancestry in the NHLBI Exome Sequencing Project, indicating it is not a common benign variant in these populations. The E183V variant is a non-conservative amino acid substitution, which is likely to impact secondary protein structure as these residues differ in polarity, charge, size and/or other properties. This substitution occurs at a position that is conserved across species. In silico analysis predicts this variant is probably damaging to the protein structure/function. We interpret E183V as a pathogenic variant.

OMIM
Classification: Pathogenic for NOONAN SYNDROME-LIKE DISORDER WITH LOOSE ANAGEN HAIR 2. Last evaluated: 2017-05-31. Review status: no assertion criteria provided. Collection method: literature only. Allele origin: germline. Not counted in ClinVar's aggregate classification.

Literature cited by the submitters: PubMed 27681385 (cited by 3 submitters); PubMed 30236064 (cited by Ambry Genetics).